The following is an entry in ClinVar:

ClinVar aggregate classification (germline): Uncertain significance. Review status: criteria provided, multiple submitters, no conflicts (2 of 4 stars). 3 submissions from 3 submitters: Uncertain significance (2). 1 of the submissions does not count toward it. Last evaluated 2022-11-30.

Conditions:
Cardiovascular phenotype. Identifiers: MedGen CN230736.
Hereditary cancer-predisposing syndrome. Also called: Tumor predisposition; Hereditary Cancer Syndrome; Neoplastic Syndromes, Hereditary; Hereditary neoplastic syndrome. Identifiers: Orphanet 140162, MedGen C0027672, MeSH D009386, MONDO:0015356.
Neurofibromatosis, type 1 (NF1). Also called: VON RECKLINGHAUSEN DISEASE; NEUROFIBROMATOSIS, TYPE I, SOMATIC; Peripheral type neurofibromatosis; Neurofibromatosis, type I. Identifiers: Orphanet 636, MedGen C0027831, MONDO:0018975, OMIM 162200. Disease mechanism: loss of function.
Moyamoya angiopathy. Identifiers: Orphanet 477768, MedGen C5681261.

Allele frequency attached by ClinVar (database versions not stated): TOPMed below 0.00001.

Submissions (3):

Labcorp Genetics (formerly Invitae), Labcorp
Classification: Uncertain significance for Neurofibromatosis, type 1. Last evaluated: 2022-11-30. Review status: criteria provided, single submitter. Criteria: Invitae Variant Classification Sherloc (09022015). Collection method: clinical testing. Allele origin: germline.
Comment: In summary, the available evidence is currently insufficient to determine the role of this variant in disease. Therefore, it has been classified as a Variant of Uncertain Significance. Advanced modeling of protein sequence and biophysical properties (such as structural, functional, and spatial information, amino acid conservation, physicochemical variation, residue mobility, and thermodynamic stability) performed at Invitae indicates that this missense variant is expected to disrupt NF1 protein function. ClinVar contains an entry for this variant (Variation ID: 982229). This missense change has been observed in individual(s) with clinical features of NF1-related conditions (PMID: 23758643). This variant is not present in population databases (gnomAD no frequency). This sequence change replaces isoleucine, which is neutral and non-polar, with threonine, which is neutral and polar, at codon 1918 of the NF1 protein (p.Ile1918Thr).

Ambry Genetics
Classification: Uncertain significance for Cardiovascular phenotype; Hereditary cancer-predisposing syndrome. Last evaluated: 2021-09-10. Review status: criteria provided, single submitter. Criteria: Ambry Variant Classification Scheme 2023. Collection method: clinical testing. Allele origin: germline.
Comment: The p.I1918T variant (also known as c.5753T>C), located in coding exon 39 of the NF1 gene, results from a T to C substitution at nucleotide position 5753. The isoleucine at codon 1918 is replaced by threonine, an amino acid with similar properties. This amino acid position is highly conserved in available vertebrate species. In addition, this alteration is predicted to be deleterious by in silico analysis. Since supporting evidence is limited at this time, the clinical significance of this alteration remains unclear.

University of Washington Center for Mendelian Genomics, University of Washington
Classification: Uncertain significance for Moyamoya angiopathy. Review status: no assertion criteria provided. Collection method: research. Allele origin: de novo. Affected: yes. Not counted in ClinVar's aggregate classification.

Literature cited by the submitters: PubMed 23758643 (cited by Labcorp Genetics (formerly Invitae), Labcorp); PubMed 31474762 (cited by University of Washington Center for Mendelian Genomics, University of Washington).

NM_001042492.3(NF1):c.5816T>C (p.Ile1939Thr)

Gene: NF1 (neurofibromin 1; plus strand). Cytogenetic location: 17q11.2.
Variant type: single nucleotide variant.
Coding change: c.5816T>C on transcript NM_001042492.3 (MANE Select); coding-DNA position 5816, T replaced by C.
Protein change: p.Ile1939Thr; replaces isoleucine 1939 with threonine.
Molecular consequence: missense variant.
Genome position (GRCh38, 1-based): chr17:31,334,841, T>C. VCF-style: chr17-31334841-T-C. GRCh37 (hg19) VCF-style: chr17-29661859-T-C.
Other names: c.5753T>C, p.Ile1918Thr (NM_000267.4); short protein forms I1918T, I1939T.
Identifiers: ClinVar variation 982229 (VCV000982229.6), dbSNP rs1304057833, ClinGen allele CA399010555.